The following is an entry in ClinVar:

ClinVar aggregate classification (germline): Uncertain significance (1 of 4 stars; one submission).

Conditions:
Familial temporal lobe epilepsy 7. Identifiers: Orphanet 101046, MedGen C4225327, MONDO:0014639, OMIM 616436.
Norman-Roberts syndrome (LIS2). Also called: Lissencephaly 2 (Norman-Roberts type). Identifiers: Orphanet 89844, MedGen C0796089, MONDO:0009760, OMIM 257320.

gnomAD v4.1: 2 of 1,614,120 alleles (0.00012%); highest among the groups gnomAD compares: Admixed American, 0.0033%; no homozygotes.

Submission:

Labcorp Genetics (formerly Invitae), Labcorp
Classification: Uncertain significance for Familial temporal lobe epilepsy 7; Norman-Roberts syndrome. Last evaluated: 2024-06-21. Review status: criteria provided, single submitter. Criteria: Invitae Variant Classification Sherloc (09022015). Collection method: clinical testing. Allele origin: germline.
Comment: This sequence change replaces leucine, which is neutral and non-polar, with methionine, which is neutral and non-polar, at codon 3043 of the RELN protein (p.Leu3043Met). This variant is present in population databases (rs747144808, gnomAD 0.003%). This variant has not been reported in the literature in individuals affected with RELN-related conditions. Advanced modeling of protein sequence and biophysical properties (such as structural, functional, and spatial information, amino acid conservation, physicochemical variation, residue mobility, and thermodynamic stability) performed at Invitae indicates that this missense variant is not expected to disrupt RELN protein function with a negative predictive value of 80%. In summary, the available evidence is currently insufficient to determine the role of this variant in disease. Therefore, it has been classified as a Variant of Uncertain Significance.

NM_005045.4(RELN):c.9127C>A (p.Leu3043Met)

Genes: SLC26A5-AS1 (SLC26A5 antisense RNA 1; plus strand), RELN (reelin; minus strand). Cytogenetic location: 7q22.1.
Variant type: single nucleotide variant.
Coding change: c.9127C>A on transcript NM_005045.4 (MANE Select); coding-DNA position 9127, C replaced by A.
Protein change: p.Leu3043Met; replaces leucine 3043 with methionine.
Molecular consequence: missense variant.
Genome position (GRCh38, 1-based): chr7:103,496,592, G>T on the plus strand (C>A on the coding strand, the complement: RELN is on the minus strand). VCF-style: chr7-103496592-G-T. GRCh37 (hg19) VCF-style: chr7-103137039-G-T.
Other names: c.9127C>A, p.Leu3043Met (NM_173054.3); short protein forms L3043M.
Identifiers: ClinVar variation 3756894 (VCV003756894.2).
Genomic context (GRCh38, chr7:103,496,592, plus strand): 5'-CAAAAGTGTCCACCAATTGGCTGGGATTGATTTCTGCTCCACCAATCAAAATGTTGTCCA[G>T]TGCCCACTGAGCACGCTCCACCCCAGAGACCACAATTCCATTGCTGATCACAAAAGGCTG-3'
Protein context (NP_005036.2, residues 3033-3053): VSGVERAQWA[Leu3043Met]DNILIGGAEI